The following is an entry in ClinVar:

NM_145059.3(FCSK):c.2144T>A (p.Val715Glu)

Gene: FCSK (fucose kinase; plus strand). Cytogenetic location: 16q22.1.
Variant type: single nucleotide variant.
Coding change: c.2144T>A on transcript NM_145059.3 (MANE Select); coding-DNA position 2144, T replaced by A.
Protein change: p.Val715Glu; replaces valine 715 with glutamic acid.
Molecular consequence: missense variant.
Genome position (GRCh38, 1-based): chr16:70,474,683, T>A. VCF-style: chr16-70474683-T-A. GRCh37 (hg19) VCF-style: chr16-70508586-T-A.
Other names: short protein forms V715E.
Identifiers: ClinVar variation 2183455 (VCV002183455.4), dbSNP rs2048742042, ClinGen allele CA396572564.
Genomic context (GRCh38, chr16:70,474,683, plus strand): 5'-CAGAGCAGGTGGAACTGCCGGGACCTGGGCAGTGGGTGGTGGCTGAGTGCCCGGCCCGTG[T>A]GGATTTCTCTGGTGAGCCCCTTGTGGCAGGTGGGGTTGAGGGTAGCTGCCCCAGAGCCAG-3'
Protein context (NP_659496.2, residues 705-725): QWVVAECPAR[Val715Glu]DFSGGWSDTP

ClinVar aggregate classification (germline): Uncertain significance (1 of 4 stars; one submission).

Allele frequency attached by ClinVar (database versions not stated): TOPMed below 0.00001.

Submission:

Labcorp Genetics (formerly Invitae), Labcorp
Classification: Uncertain significance. Last evaluated: 2023-11-27. Review status: criteria provided, single submitter. Criteria: Invitae Variant Classification Sherloc (09022015). Collection method: clinical testing. Allele origin: germline.
Comment: This sequence change replaces valine, which is neutral and non-polar, with glutamic acid, which is acidic and polar, at codon 715 of the FUK protein (p.Val715Glu). This variant is not present in population databases (gnomAD no frequency). This variant has not been reported in the literature in individuals affected with FUK-related conditions. ClinVar contains an entry for this variant (Variation ID: 2183455). An algorithm developed to predict the effect of missense changes on protein structure and function (PolyPhen-2) suggests that this variant is likely to be disruptive. In summary, the available evidence is currently insufficient to determine the role of this variant in disease. Therefore, it has been classified as a Variant of Uncertain Significance.